The following is an entry in ClinVar:

NM_002772.3(TMPRSS15):c.808G>A (p.Asp270Asn)

Gene: TMPRSS15 (transmembrane serine protease 15; minus strand). Cytogenetic location: 21q21.1.
Variant type: single nucleotide variant.
Coding change: c.808G>A on transcript NM_002772.3 (MANE Select); coding-DNA position 808, G replaced by A.
Protein change: p.Asp270Asn; replaces aspartic acid 270 with asparagine.
Molecular consequence: missense variant.
Genome position (GRCh38, 1-based): chr21:18,359,829, C>T on the plus strand (G>A on the coding strand, the complement: TMPRSS15 is on the minus strand). VCF-style: chr21-18359829-C-T. GRCh37 (hg19) VCF-style: chr21-19732146-C-T.
Other names: c.943G>A, p.Asp315Asn (NM_001428056.1); c.808G>A, p.Asp270Asn (NM_001428057.1); short protein forms D270N, D315N.
Identifiers: ClinVar variation 3704492 (VCV003704492.1).
Genomic context (GRCh38, chr21:18,359,829, plus strand): 5'-TGCTTGATCCTACACCTTCATAAATATCTAATATATCTGTATAATATGTATTAAAATCAT[C>T]GAAGCTCAGTTTAATGGAAAGTCCTTGGTTTACACTAAATTAAAAGCAAAAAATAGATTA-3'
Protein context (NP_002763.3, residues 260-280): NQGLSIKLSF[Asp270Asn]DFNTYYTDIL

ClinVar aggregate classification (germline): Uncertain significance (1 of 4 stars; one submission).

gnomAD v4.1: 57 of 1,535,020 alleles (0.0037%); highest among the groups gnomAD compares: Middle Eastern, 0.017%; no homozygotes.

Submission:

Labcorp Genetics (formerly Invitae), Labcorp
Classification: Uncertain significance. Last evaluated: 2024-02-06. Review status: criteria provided, single submitter. Criteria: Invitae Variant Classification Sherloc (09022015). Collection method: clinical testing. Allele origin: germline.
Comment: This sequence change replaces aspartic acid, which is acidic and polar, with asparagine, which is neutral and polar, at codon 270 of the TMPRSS15 protein (p.Asp270Asn). This variant is present in population databases (rs747916640, gnomAD 0.01%). This variant has not been reported in the literature in individuals affected with TMPRSS15-related conditions. Algorithms developed to predict the effect of missense changes on protein structure and function output the following: SIFT: "Not Available"; PolyPhen-2: "Benign"; Align-GVGD: "Not Available". The asparagine amino acid residue is found in multiple mammalian species, which suggests that this missense change does not adversely affect protein function. In summary, the available evidence is currently insufficient to determine the role of this variant in disease. Therefore, it has been classified as a Variant of Uncertain Significance.